The following is an entry in ClinVar:

NM_014714.4(IFT140):c.3874-11C>T

Gene: IFT140 (intraflagellar transport 140; minus strand). Cytogenetic location: 16p13.3.
Variant type: single nucleotide variant.
Coding change: c.3874-11C>T on transcript NM_014714.4 (MANE Select); 11 bases into the intron before coding-DNA position 3874, C replaced by T.
Molecular consequence: intron variant.
Genome position (GRCh38, 1-based): chr16:1,520,058, G>A on the plus strand (C>T on the coding strand, the complement: IFT140 is on the minus strand). VCF-style: chr16-1520058-G-A. GRCh37 (hg19) VCF-style: chr16-1570059-G-A.
Identifiers: ClinVar variation 317994 (VCV000317994.14), dbSNP rs199887622, ClinGen allele CA7812994.

ClinVar aggregate classification (germline): Benign/Likely benign. Review status: criteria provided, multiple submitters, no conflicts (2 of 4 stars). 3 submissions from 3 submitters: Benign (1); Likely benign (2). Last evaluated 2026-02-02.

Conditions:
Saldino-Mainzer syndrome (SRTD9). Also called: short-rib thoracic dysplasia 9 with or without polydactyly; CONORENAL SYNDROME; Renal dysplasia, retinal pigmentary dystrophy, cerebellar ataxia and skeletal dysplasia; SHORT-RIB THORACIC DYSPLASIA 9 WITHOUT POLYDACTYLY. Identifiers: Orphanet 140969, MedGen C1849437, MONDO:0009964, OMIM 266920.

Allele frequency attached by ClinVar (database versions not stated): 1000 Genomes Project 0.00160; gnomAD exomes 0.00166; ESP Exome Variant Server 0.00169; gnomAD 0.00192 and 0.00220; ExAC 0.00202; 1000 Genomes Project 30x 0.00203; TOPMed 0.00285.
gnomAD v4.1: 3,491 of 1,605,692 alleles (0.22%); highest among the groups gnomAD compares: Middle Eastern, 0.3%; 10 homozygotes.

Submissions (3):

Labcorp Genetics (formerly Invitae), Labcorp
Classification: Benign for Saldino-Mainzer syndrome. Last evaluated: 2026-02-02. Review status: criteria provided, single submitter. Criteria: Invitae Variant Classification Sherloc (09022015). Collection method: clinical testing. Allele origin: germline.

Blueprint Genetics
Classification: Likely benign. Last evaluated: 2024-11-18. Review status: criteria provided, single submitter. Criteria: ACMG Guidelines, 2015. Collection method: clinical testing. Allele origin: germline.

Illumina Laboratory Services, Illumina
Classification: Likely benign for Saldino-Mainzer syndrome. Last evaluated: 2018-01-13. Review status: criteria provided, single submitter. Criteria: ICSL Variant Classification Criteria 13 December 2019. Collection method: clinical testing. Allele origin: germline.
Comment: This variant was observed in the ICSL laboratory as part of a predisposition screen in an ostensibly healthy population. It had not been previously curated by ICSL or reported in the Human Gene Mutation Database (HGMD: prior to June 1st, 2018), and was therefore a candidate for classification through an automated scoring system. Utilizing variant allele frequency, disease prevalence and penetrance estimates, and inheritance mode, an automated score was calculated to assess if this variant is too frequent to cause the disease. Based on the score and internal cut-off values, a variant classified as likely benign is not then subjected to further curation. The score for this variant resulted in a classification of likely benign for this disease.